The following is an entry in ClinVar:

NM_005120.3(MED12):c.2808C>T (p.Cys936=)

Gene: MED12 (mediator complex subunit 12; plus strand). Cytogenetic location: Xq13.1.
Variant type: single nucleotide variant.
Coding change: c.2808C>T on transcript NM_005120.3 (MANE Select); coding-DNA position 2808, C replaced by T.
Protein change: p.Cys936=; no amino-acid change (cysteine 936 retained).
Molecular consequence: synonymous variant.
Genome position (GRCh38, 1-based): chrX:71,127,091, C>T. VCF-style: chrX-71127091-C-T. GRCh37 (hg19) VCF-style: chrX-70346941-C-T.
Identifiers: ClinVar variation 3378232 (VCV003378232.1).

ClinVar aggregate classification (germline): Uncertain significance (1 of 4 stars; one submission).

gnomAD v4.1: 1 of 1,211,532 alleles (0.000083%); highest among the groups gnomAD compares: East Asian, 0.003%; no homozygotes.

Submission:

GeneDx
Classification: Uncertain significance. Last evaluated: 2024-05-14. Review status: criteria provided, single submitter. Criteria: GeneDx Variant Classification Process June 2021. Collection method: clinical testing. Allele origin: germline. Affected: yes.
Comment: Has not been previously published as pathogenic or benign to our knowledge; In silico analysis suggests this variant may impact gene splicing. In the absence of RNA/functional studies, the actual effect of this sequence change is unknown.